The following is an entry in ClinVar:

NM_130797.4(DPP6):c.2252C>T (p.Ala751Val)

Gene: DPP6 (dipeptidyl peptidase like 6; plus strand). Cytogenetic location: 7q36.2.
Variant type: single nucleotide variant.
Coding change: c.2252C>T on transcript NM_130797.4 (MANE Select); coding-DNA position 2252, C replaced by T.
Protein change: p.Ala751Val; replaces alanine 751 with valine.
Molecular consequence: missense variant. On other transcripts: non-coding transcript variant (2).
Genome position (GRCh38, 1-based): chr7:154,887,682, C>T. VCF-style: chr7-154887682-C-T. GRCh37 (hg19) VCF-style: chr7-154679392-C-T.
Other names: c.2060C>T, p.Ala687Val (NM_001039350.3); c.1931C>T, p.Ala644Val (NM_001290252.2); c.2069C>T, p.Ala690Val (NM_001364497.2, NM_001364498.2, NM_001364499.2 and 1 more transcripts); c.2066C>T, p.Ala689Val (NM_001936.5); short protein forms A644V, A687V, A689V, A690V, A751V.
Identifiers: ClinVar variation 2581441 (VCV002581441.1), dbSNP rs370708312, ClinGen allele CA4583886.

ClinVar aggregate classification (germline): Uncertain significance (1 of 4 stars; one submission).

Allele frequency attached by ClinVar (database versions not stated): TOPMed below 0.00001; ExAC 0.00001; gnomAD 0.00002; ESP Exome Variant Server 0.00008; 1000 Genomes Project 30x 0.00016.
gnomAD v4.1: 14 of 1,613,798 alleles (0.00087%); highest among the groups gnomAD compares: East Asian, 0.0022%; no homozygotes.

Submission:

Women's Health and Genetics/Laboratory Corporation of America, LabCorp
Classification: Uncertain significance. Last evaluated: 2023-08-29. Review status: criteria provided, single submitter. Criteria: LabCorp Variant Classification Summary - May 2015. Collection method: clinical testing. Allele origin: germline.
Comment: Variant summary: DPP6 c.2252C>T (p.Ala751Val) results in a non-conservative amino acid change located in the Peptidase S9, prolyl oligopeptidase, catalytic domain (IPR001375) of the encoded protein sequence. Three of five in-silico tools predict a benign effect of the variant on protein function. The variant allele was found at a frequency of 4e-06 in 249298 control chromosomes. The available data on variant occurrences in the general population are insufficient to allow any conclusion about variant significance. To our knowledge, no occurrence of c.2252C>T in individuals affected with Mental Retardation, Autosomal Dominant 33 and no experimental evidence demonstrating its impact on protein function have been reported. No submitters have cited clinical-significance assessments for this variant to ClinVar after 2014. Based on the evidence outlined above, the variant was classified as uncertain significance.